The following is an entry in ClinVar:

ClinVar aggregate classification (germline): Uncertain significance (1 of 4 stars; one submission).

Allele frequency attached by ClinVar (database versions not stated): TOPMed below 0.00001; gnomAD 0.00001; gnomAD exomes 0.00001.
gnomAD v4.1: 12 of 1,614,046 alleles (0.00074%); highest among the groups gnomAD compares: Non-Finnish European, 0.00093%; no homozygotes.

Submission:

Labcorp Genetics (formerly Invitae), Labcorp
Classification: Uncertain significance. Last evaluated: 2021-09-02. Review status: criteria provided, single submitter. Criteria: Invitae Variant Classification Sherloc (09022015). Collection method: clinical testing. Allele origin: germline.
Comment: This sequence change replaces proline with leucine at codon 40 of the MERTK protein (p.Pro40Leu). The proline residue is highly conserved and there is a moderate physicochemical difference between proline and leucine. This variant is not present in population databases (ExAC no frequency). This variant has not been reported in the literature in individuals affected with MERTK-related conditions. Algorithms developed to predict the effect of missense changes on protein structure and function are either unavailable or do not agree on the potential impact of this missense change (SIFT: "Deleterious"; PolyPhen-2: "Possibly Damaging"; Align-GVGD: "Class C0"). In summary, the available evidence is currently insufficient to determine the role of this variant in disease. Therefore, it has been classified as a Variant of Uncertain Significance.

NM_006343.3(MERTK):c.119C>T (p.Pro40Leu)

Gene: MERTK (MER proto-oncogene, tyrosine kinase; plus strand). Cytogenetic location: 2q13.
Variant type: single nucleotide variant.
Coding change: c.119C>T on transcript NM_006343.3 (MANE Select); coding-DNA position 119, C replaced by T.
Protein change: p.Pro40Leu; replaces proline 40 with leucine.
Molecular consequence: missense variant.
Genome position (GRCh38, 1-based): chr2:111,929,177, C>T. VCF-style: chr2-111929177-C-T. GRCh37 (hg19) VCF-style: chr2-112686754-C-T.
Other names: short protein forms P40L.
Identifiers: ClinVar variation 968807 (VCV000968807.7), dbSNP rs1684622333, ClinGen allele CA348225964.